The following is an entry in ClinVar:

NM_000215.4(JAK3):c.2680+3G>C

Gene: JAK3 (Janus kinase 3; minus strand). Cytogenetic location: 19p13.11.
Variant type: single nucleotide variant.
Coding change: c.2680+3G>C on transcript NM_000215.4 (MANE Select); 3 bases into the intron after coding-DNA position 2680, G replaced by C.
Molecular consequence: intron variant.
Genome position (GRCh38, 1-based): chr19:17,832,516, C>G on the plus strand (G>C on the coding strand, the complement: JAK3 is on the minus strand). VCF-style: chr19-17832516-C-G. GRCh37 (hg19) VCF-style: chr19-17943325-C-G.
Identifiers: ClinVar variation 328503 (VCV000328503.11), dbSNP rs749481781, ClinGen allele CA9301555.

ClinVar aggregate classification (germline): Pathogenic/Likely pathogenic. Review status: criteria provided, multiple submitters, no conflicts (2 of 4 stars). 2 submissions from 2 submitters: Pathogenic (1); Likely pathogenic (1). Last evaluated 2025-04-30.

Conditions:
T-B+ severe combined immunodeficiency due to JAK3 deficiency. Also called: SCID, T CELL-NEGATIVE, B CELL-POSITIVE, NK CELL-NEGATIVE; SCID, autosomal recessive, T-negative/B-positive type. Identifiers: Orphanet 35078, MedGen C1833275, MONDO:0010938, OMIM 600802.

Allele frequency attached by ClinVar (database versions not stated): ExAC 0.00001; gnomAD exomes 0.00001 and 0.00003; TOPMed 0.00002; gnomAD 0.00003.
gnomAD v4.1: 42 of 1,614,042 alleles (0.0026%); highest among the groups gnomAD compares: Non-Finnish European, 0.0035%; no homozygotes.

Submissions (2):

Labcorp Genetics (formerly Invitae), Labcorp
Classification: Pathogenic for T-B+ severe combined immunodeficiency due to JAK3 deficiency. Last evaluated: 2025-04-30. Review status: criteria provided, single submitter. Criteria: Invitae Variant Classification Sherloc (09022015). Collection method: clinical testing. Allele origin: germline.
Comment: This sequence change falls in intron 19 of the JAK3 gene. It does not directly change the encoded amino acid sequence of the JAK3 protein. RNA analysis indicates that this variant induces altered splicing and may result in an absent or altered protein product. This variant is present in population databases (rs749481781, gnomAD 0.003%). This variant has been observed in individual(s) with severe combined immunodeficiency and/or partial JAK3 deficiency (PMID: 11668621, 11781709). In at least one individual the data is consistent with being in trans (on the opposite chromosome) from a pathogenic variant. This variant is also known as intron 18 G2775(+3)C or IVS18+3G>C. ClinVar contains an entry for this variant (Variation ID: 328503). Studies have shown that this variant alters JAK3 gene expression (PMID: 11781709). Variants that disrupt the consensus splice site are a relatively common cause of aberrant splicing (PMID: 17576681, 9536098). Studies have shown that this variant results in retention of 87 nucleotides from intron 19, and produces a non-functional protein and/or introduces a premature termination codon (PMID: 11781709). For these reasons, this variant has been classified as Pathogenic.

Revvity Omics, Revvity
Classification: Likely pathogenic for T-B+ severe combined immunodeficiency due to JAK3 deficiency. Last evaluated: 2022-05-06. Review status: criteria provided, single submitter. Criteria: ACMG Guidelines, 2015. Collection method: clinical testing. Allele origin: germline.

Literature cited by the submitters: PubMed 11668621 (cited by Labcorp Genetics (formerly Invitae), Labcorp); PubMed 11781709 (cited by Labcorp Genetics (formerly Invitae), Labcorp); PubMed 17576681 (cited by Labcorp Genetics (formerly Invitae), Labcorp); PubMed 9536098 (cited by Labcorp Genetics (formerly Invitae), Labcorp).